The following is an entry in ClinVar:

ClinVar aggregate classification (germline): Uncertain significance (1 of 4 stars; one submission).

Allele frequency attached by ClinVar (database versions not stated): gnomAD 0.00001; gnomAD exomes 0.00001.
gnomAD v4.1: 9 of 1,609,224 alleles (0.00056%); highest among the groups gnomAD compares: Non-Finnish European, 0.00077%; no homozygotes.

Submission:

Labcorp Genetics (formerly Invitae), Labcorp
Classification: Uncertain significance. Last evaluated: 2022-05-03. Review status: criteria provided, single submitter. Criteria: Invitae Variant Classification Sherloc (09022015). Collection method: clinical testing. Allele origin: germline.
Comment: Algorithms developed to predict the effect of missense changes on protein structure and function are either unavailable or do not agree on the potential impact of this missense change (SIFT: "Tolerated"; PolyPhen-2: "Probably Damaging"; Align-GVGD: "Class C0"). This variant has not been reported in the literature in individuals affected with GFM2-related conditions. This variant is present in population databases (no rsID available, gnomAD 0.007%). This sequence change replaces proline, which is neutral and non-polar, with leucine, which is neutral and non-polar, at codon 639 of the GFM2 protein (p.Pro639Leu). In summary, the available evidence is currently insufficient to determine the role of this variant in disease. Therefore, it has been classified as a Variant of Uncertain Significance.

NM_032380.5(GFM2):c.1916C>T (p.Pro639Leu)

Gene: GFM2 (GTP dependent ribosome recycling factor mitochondrial 2; minus strand). Cytogenetic location: 5q13.3.
Variant type: single nucleotide variant.
Coding change: c.1916C>T on transcript NM_032380.5 (MANE Select); coding-DNA position 1916, C replaced by T.
Protein change: p.Pro639Leu; replaces proline 639 with leucine.
Molecular consequence: missense variant. On other transcripts: non-coding transcript variant (1).
Genome position (GRCh38, 1-based): chr5:74,725,752, G>A on the plus strand (C>T on the coding strand, the complement: GFM2 is on the minus strand). VCF-style: chr5-74725752-G-A. GRCh37 (hg19) VCF-style: chr5-74021577-G-A.
Other names: c.2012C>T, p.Pro671Leu (NM_001281302.2); c.1775C>T, p.Pro592Leu (NM_170691.3); short protein forms P639L, P592L, P671L.
Identifiers: ClinVar variation 2132063 (VCV002132063.4), dbSNP rs911465680, ClinGen allele CA360076423.